The following is an entry in ClinVar:

NM_001267550.2(TTN):c.6790+1G>T

Gene: TTN (titin; minus strand). Cytogenetic location: 2q31.2.
Variant type: single nucleotide variant.
Coding change: c.6790+1G>T on transcript NM_001267550.2 (MANE Select); the canonical splice donor site of the intron after coding-DNA position 6790, G replaced by T.
Molecular consequence: splice donor variant.
Genome position (GRCh38, 1-based): chr2:178,774,920, C>A on the plus strand (G>T on the coding strand, the complement: TTN is on the minus strand). VCF-style: chr2-178774920-C-A. GRCh37 (hg19) VCF-style: chr2-179639647-C-A.
Other names: c.6652+1G>T (NM_003319.4, NM_133437.4, NM_133432.3); c.6790+1G>T (NM_133378.4, NM_001256850.1, NM_133379.5).
Identifiers: ClinVar variation 2929112 (VCV002929112.4), dbSNP rs2532776079, ClinGen allele CA349681966.

ClinVar aggregate classification (germline): Likely pathogenic. Review status: criteria provided, single submitter (1 of 4 stars). 2 submissions from 2 submitters: Likely pathogenic (1). 1 of the submissions does not count toward it. Last evaluated 2025-07-03.

Conditions:
Autosomal recessive limb-girdle muscular dystrophy type 2J (LGMDR10). Also called: MUSCULAR DYSTROPHY, LIMB-GIRDLE, AUTOSOMAL RECESSIVE 10; Limb-girdle muscular dystrophy, type 2J. Identifiers: Orphanet 140922, MedGen C1837342, MONDO:0012127, OMIM 608807.
Dilated cardiomyopathy 1G (CMD1G). Identifiers: Orphanet 154, MedGen C1858763, MONDO:0011400, OMIM 604145.

Allele frequency attached by ClinVar (database versions not stated): gnomAD exomes below 0.00001.
gnomAD v4.1: 4 of 1,613,486 alleles (0.00025%); highest among the groups gnomAD compares: Non-Finnish European, 0.00034%; no homozygotes.

Submissions (2):

Labcorp Genetics (formerly Invitae), Labcorp
Classification: Likely pathogenic for Dilated cardiomyopathy 1G; Autosomal recessive limb-girdle muscular dystrophy type 2J. Last evaluated: 2025-07-03. Review status: criteria provided, single submitter. Criteria: Invitae Variant Classification Sherloc (09022015). Collection method: clinical testing. Allele origin: germline.
Comment: This sequence change affects a donor splice site in intron 29 of the TTN gene. It is expected to disrupt RNA splicing and likely results in a truncated or disrupted TTN protein. This variant is not present in population databases (gnomAD no frequency). Disruption of this splice site has been observed in individual(s) with clinical features of autosomal recessive TTN-related conditions (PMID: 39825153). This variant has been reported in individual(s) with dilated cardiomyopathy (PMID: 29892087, 31983221; internal data); however, the role of the variant in this condition is currently unclear. ClinVar contains an entry for this variant (Variation ID: 2929112). Algorithms developed to predict the effect of sequence changes on RNA splicing suggest that this variant may disrupt the consensus splice site. This variant is located in the I band of TTN (PMID: 25589632). Truncating variants in this region have been reported in individuals affected with autosomal recessive centronuclear myopathy (PMID: 23975875, internal data). Truncating variants in this region have also been identified in individuals affected with autosomal dominant dilated cardiomyopathy and/or cardio-related conditions (PMID: 27869827, 32964742, internal data). In summary, the currently available evidence indicates that the variant is pathogenic, but additional data are needed to prove that conclusively. Therefore, this variant has been classified as Likely Pathogenic.

Solve-RD Consortium
Classification: Likely pathogenic for Autosomal recessive limb-girdle muscular dystrophy type 2J. Last evaluated: 2022-06-01. Review status: no assertion criteria provided. Collection method: provider interpretation. Allele origin: inherited. Affected: yes. Not counted in ClinVar's aggregate classification.
Comment: Variant confirmed as disease-causing by referring clinical team

Variant identified during reanalysis of unsolved cases by the Solve-RD project. The Solve-RD project has received funding from the European Union’s Horizon 2020 research and innovation programme under grant agreement No 779257.

Literature cited by the submitters: PubMed 39825153 (cited by Labcorp Genetics (formerly Invitae), Labcorp and Solve-RD Consortium); PubMed 29892087 (cited by Labcorp Genetics (formerly Invitae), Labcorp); PubMed 31983221 (cited by Labcorp Genetics (formerly Invitae), Labcorp); PubMed 25589632 (cited by Labcorp Genetics (formerly Invitae), Labcorp); PubMed 23975875 (cited by Labcorp Genetics (formerly Invitae), Labcorp); PubMed 27869827 (cited by Labcorp Genetics (formerly Invitae), Labcorp); PubMed 32964742 (cited by Labcorp Genetics (formerly Invitae), Labcorp).